The following is an entry in ClinVar:

ClinVar aggregate classification (germline): Conflicting classifications of pathogenicity. Review status: criteria provided, conflicting classifications (1 of 4 stars). 9 submissions from 9 submitters: Uncertain significance (4); Benign (1); Likely benign (2). 2 of the submissions do not count toward it. Last evaluated 2026-01-25.

Conditions:
GNE-related disorder. Also called: GNE-related condition.
Sialuria. Also called: Sialic Acid Storage Disease; SIALURIA, FRENCH TYPE. Identifiers: Orphanet 3166, MedGen C0342853, MONDO:0010028, OMIM 269921.
GNE myopathy (NM). Also called: NONAKA DISTAL MYOPATHY; IBM 2; Inclusion body myopathy autosomal recessive; Inclusion body myopathy quadriceps sparing; INCLUSION BODY MYOPATHY, HEREDITARY, AUTOSOMAL RECESSIVE; INCLUSION BODY MYOPATHY 2, AUTOSOMAL RECESSIVE. Identifiers: Orphanet 602, MedGen C1853926, MONDO:0011603, OMIM 605820.

Allele frequency attached by ClinVar (database versions not stated): gnomAD exomes 0.00006 and 0.00014; ExAC 0.00022; 1000 Genomes Project 30x 0.00047; 1000 Genomes Project 0.00060; gnomAD 0.00060 and 0.00066; ESP Exome Variant Server 0.00062; TOPMed 0.00062.

Submissions (9):

Labcorp Genetics (formerly Invitae), Labcorp
Classification: Likely benign for Sialuria; GNE myopathy. Last evaluated: 2026-01-25. Review status: criteria provided, single submitter. Criteria: Invitae Variant Classification Sherloc (09022015). Collection method: clinical testing. Allele origin: germline.

Revvity Omics, Revvity
Classification: Uncertain significance. Last evaluated: 2025-06-05. Review status: criteria provided, single submitter. Criteria: ACMG Guidelines, 2015. Collection method: clinical testing. Allele origin: germline.

GeneDx
Classification: Uncertain significance. Last evaluated: 2025-05-21. Review status: criteria provided, single submitter. Criteria: GeneDx Variant Classification Process June 2021. Collection method: clinical testing. Allele origin: germline. Affected: yes.
Comment: Missense variants in this gene are a common cause of disease and they are underrepresented in the general population; In silico analysis suggests that this missense variant does not alter protein structure/function; Has not been previously published as pathogenic or benign to our knowledge; This variant is associated with the following publications: (PMID: 24796702)

Women's Health and Genetics/Laboratory Corporation of America, LabCorp
Classification: Likely benign. Last evaluated: 2023-09-07. Review status: criteria provided, single submitter. Criteria: LabCorp Variant Classification Summary - May 2015. Collection method: clinical testing. Allele origin: germline.
Comment: Variant summary: GNE c.1360A>G (p.Ile454Val) results in a conservative amino acid change in the encoded protein sequence. Three of five in-silico tools predict a benign effect of the variant on protein function. The variant allele was found at a frequency of 0.00019 in 282854 control chromosomes (gnomAD), predominantly at a frequency of 0.0017 within the African or African-American subpopulation in the gnomAD database. The observed variant frequency within African or African-American control individuals in the gnomAD database is approximately 1.5 fold of the estimated maximal expected allele frequency for a pathogenic variant in GNE causing Inclusion Body Myopathy 2 (0.0011), suggesting that the variant is a benign polymorphism found primarily in populations of African or African-American origin. To our knowledge, no occurrence of c.1360A>G in individuals affected with Inclusion Body Myopathy 2 and no experimental evidence demonstrating its impact on protein function have been reported. Seven ClinVar submitters have assessed the variant since 2014: four classified the variant as uncertain significance, two as likely benign, and one as benign. Based on the evidence outlined above, the variant was classified as likely benign.

Mayo Clinic Laboratories, Mayo Clinic
Classification: Uncertain significance. Last evaluated: 2023-04-27. Review status: criteria provided, single submitter. Criteria: ACMG Guidelines, 2015. Collection method: clinical testing. Allele origin: germline. Observed: 1 variant allele.

Illumina Laboratory Services, Illumina
Classification: Benign for Sialuria. Last evaluated: 2018-01-12. Review status: criteria provided, single submitter. Criteria: ICSL Variant Classification Criteria 13 December 2019. Collection method: clinical testing. Allele origin: germline.
Comment: This variant was observed in the ICSL laboratory as part of a predisposition screen in an ostensibly healthy population. It had not been previously curated by ICSL or reported in the Human Gene Mutation Database (HGMD: prior to June 1st, 2018), and was therefore a candidate for classification through an automated scoring system. Utilizing variant allele frequency, disease prevalence and penetrance estimates, and inheritance mode, an automated score was calculated to assess if this variant is too frequent to cause the disease. Based on the score and internal cut-off values, a variant classified as benign is not then subjected to further curation. The score for this variant resulted in a classification of benign for this disease.

Eurofins Ntd Llc (ga)
Classification: Uncertain significance. Last evaluated: 2017-02-28. Review status: criteria provided, single submitter. Criteria: EGL Classification Definitions 2015. Collection method: clinical testing. Allele origin: germline. Observed: 5 variant alleles, 5 heterozygotes.

PreventionGenetics, part of Exact Sciences
Classification: Likely benign for GNE-related condition. Last evaluated: 2022-11-13. Review status: no assertion criteria provided. Collection method: clinical testing. Allele origin: germline. Not counted in ClinVar's aggregate classification.
Comment: This variant is classified as likely benign based on ACMG/AMP sequence variant interpretation guidelines (Richards et al. 2015 PMID: 25741868, with internal and published modifications).

Natera, Inc.
Classification: Uncertain significance for Nonaka myopathy. Last evaluated: 2020-01-08. Review status: no assertion criteria provided. Collection method: clinical testing. Allele origin: germline. Not counted in ClinVar's aggregate classification.

Literature cited by the submitters: PubMed 24796702 (cited by Mayo Clinic Laboratories, Mayo Clinic).

NM_005476.7(GNE):c.1267A>G (p.Ile423Val)

Gene: GNE (glucosamine (UDP-N-acetyl)-2-epimerase/N-acetylmannosamine kinase; minus strand). Cytogenetic location: 9p13.3.
Variant type: single nucleotide variant.
Coding change: c.1267A>G on transcript NM_005476.7 (MANE Select); coding-DNA position 1267, A replaced by G.
Protein change: p.Ile423Val; replaces isoleucine 423 with valine.
Molecular consequence: missense variant.
Genome position (GRCh38, 1-based): chr9:36,227,262, T>C on the plus strand (A>G on the coding strand, the complement: GNE is on the minus strand). VCF-style: chr9-36227262-T-C. GRCh37 (hg19) VCF-style: chr9-36227259-T-C.
Other names: p.Ile454Val; c.1360A>G, p.Ile454Val (NM_001128227.3); c.1267A>G, p.Ile423Val (NM_001190383.3); c.937A>G, p.Ile313Val (NM_001190384.3); c.1090A>G, p.Ile364Val (NM_001190388.2, NM_001374798.1); c.1114A>G, p.Ile372Val (NM_001374797.1); short protein forms I454V, I423V, I313V, I372V, I364V.
Identifiers: ClinVar variation 284451 (VCV000284451.28), dbSNP rs35638832, ClinGen allele CA5056548.